The following is an entry in ClinVar:

NM_005883.3(APC2):c.4796C>T (p.Pro1599Leu)

Gene: APC2 (APC regulator of Wnt signaling pathway 2; plus strand). Cytogenetic location: 19p13.3.
Variant type: single nucleotide variant.
Coding change: c.4796C>T on transcript NM_005883.3 (MANE Select); coding-DNA position 4796, C replaced by T.
Protein change: p.Pro1599Leu; replaces proline 1599 with leucine.
Molecular consequence: missense variant.
Genome position (GRCh38, 1-based): chr19:1,468,097, C>T. VCF-style: chr19-1468097-C-T. GRCh37 (hg19) VCF-style: chr19-1468096-C-T.
Other names: c.4793C>T, p.Pro1598Leu (NM_001351273.1); short protein forms P1599L, P1598L.
Identifiers: ClinVar variation 4582891 (VCV004582891.2).

ClinVar aggregate classification (germline): Uncertain significance. Review status: criteria provided, multiple submitters, no conflicts (2 of 4 stars). 2 submissions from 2 submitters: Uncertain significance (2). Last evaluated 2025-10-07.

Conditions:
APC2-related disorder. Also called: APC2-Related Disorders; APC2-related condition.
Inborn genetic diseases. Identifiers: MedGen C0950123, MeSH D030342.

gnomAD v4.1: 52 of 1,534,806 alleles (0.0034%); highest among the groups gnomAD compares: Non-Finnish European, 0.0044%; no homozygotes.

Submissions (2):

Ambry Genetics
Classification: Uncertain significance for Inborn genetic diseases. Last evaluated: 2025-10-07. Review status: criteria provided, single submitter. Criteria: Ambry Variant Classification Scheme 2023. Collection method: clinical testing. Allele origin: germline.

PreventionGenetics, part of Exact Sciences
Classification: Uncertain significance for APC2-related condition. Last evaluated: 2025-09-08. Review status: criteria provided, single submitter. Criteria: ACMG Guidelines, 2015. Collection method: clinical testing. Allele origin: germline.
Comment: The APC2 c.4796C>T variant is predicted to result in the amino acid substitution p.Pro1599Leu. To our knowledge, this variant has not been reported in the literature. This variant is reported in 0.0089% of alleles in individuals of European (Non-Finnish) descent in gnomAD. At this time, the clinical significance of this variant is uncertain due to the absence of conclusive functional and genetic evidence.